The following is an entry in ClinVar:

ClinVar aggregate classification (germline): Uncertain significance. Review status: criteria provided, multiple submitters, no conflicts (2 of 4 stars). 2 submissions from 2 submitters: Uncertain significance (2). Last evaluated 2023-12-09.

Conditions:
Inborn genetic diseases. Identifiers: MedGen C0950123, MeSH D030342.

Allele frequency attached by ClinVar (database versions not stated): gnomAD exomes below 0.00001 and 0.00001; ExAC 0.00002; gnomAD 0.00007 and 0.00008; TOPMed 0.00009.
gnomAD v4.1: 17 of 1,612,926 alleles (0.0011%); highest among the groups gnomAD compares: African/African-American, 0.012%; no homozygotes.

Submissions (2):

Ambry Genetics
Classification: Uncertain significance for Inborn genetic diseases. Last evaluated: 2023-12-09. Review status: criteria provided, single submitter. Criteria: Ambry Variant Classification Scheme 2023. Collection method: clinical testing. Allele origin: germline.

Labcorp Genetics (formerly Invitae), Labcorp
Classification: Uncertain significance. Last evaluated: 2022-10-13. Review status: criteria provided, single submitter. Criteria: Invitae Variant Classification Sherloc (09022015). Collection method: clinical testing. Allele origin: germline.
Comment: This sequence change replaces proline, which is neutral and non-polar, with leucine, which is neutral and non-polar, at codon 223 of the TSEN54 protein (p.Pro223Leu). This variant is present in population databases (rs767591488, gnomAD 0.01%). This variant has not been reported in the literature in individuals affected with TSEN54-related conditions. ClinVar contains an entry for this variant (Variation ID: 1448912). Advanced modeling of protein sequence and biophysical properties (such as structural, functional, and spatial information, amino acid conservation, physicochemical variation, residue mobility, and thermodynamic stability) performed at Invitae indicates that this missense variant is not expected to disrupt TSEN54 protein function. In summary, the available evidence is currently insufficient to determine the role of this variant in disease. Therefore, it has been classified as a Variant of Uncertain Significance.

NM_207346.3(TSEN54):c.668C>T (p.Pro223Leu)

Gene: TSEN54 (tRNA splicing endonuclease subunit 54; plus strand). Cytogenetic location: 17q25.1.
Variant type: single nucleotide variant.
Coding change: c.668C>T on transcript NM_207346.3 (MANE Select); coding-DNA position 668, C replaced by T.
Protein change: p.Pro223Leu; replaces proline 223 with leucine.
Molecular consequence: missense variant.
Genome position (GRCh38, 1-based): chr17:75,521,749, C>T. VCF-style: chr17-75521749-C-T. GRCh37 (hg19) VCF-style: chr17-73517830-C-T.
Other names: c.668C>T (NM_207346.2); short protein forms P223L.
Identifiers: ClinVar variation 1448912 (VCV001448912.4), dbSNP rs767591488, ClinGen allele CA8764244.